The following is an entry in ClinVar:

ClinVar aggregate classification (germline): Pathogenic. Review status: criteria provided, single submitter (1 of 4 stars). 2 submissions from 2 submitters: Pathogenic (1). 1 of the submissions does not count toward it. Last evaluated 2023-02-23.

Conditions:
Fanconi anemia complementation group B (FANCB). Also called: FANCB-Related Fanconi Anemia; FANCONI PANCYTOPENIA, TYPE 2. Identifiers: Orphanet 84, MedGen C1845292, MONDO:0010351, OMIM 300514.

Submissions (2):

3billion
Classification: Pathogenic for Fanconi anemia complementation group B. Last evaluated: 2023-02-23. Review status: criteria provided, single submitter. Criteria: ACMG Guidelines, 2015. Collection method: clinical testing. Allele origin: unknown. Affected: yes.
Comment: The variant is not observed in the gnomAD v2.1.1 dataset. This variant was predicted to result in a loss or disruption of normal protein function through nonsense-mediated decay (NMD) or protein truncation. Multiple pathogenic variants are reported downstream of the variant. The variant has been reported to be associated with FANCB related disorder (ClinVar ID: VCV000691299 / PMID: 32106311). Therefore, this variant is classified as Pathogenic according to the recommendation of ACMG/AMP guideline.

Leiden Open Variation Database
Classification: Pathogenic for Fanconi anemia complementation group B. Last evaluated: 2020-02-28. Review status: no assertion criteria provided. Collection method: curation. Allele origin: germline. Affected: yes. Not counted in ClinVar's aggregate classification.
Comment: Curator: Arleen D. Auerbach. Submitter to LOVD: Arleen D. Auerbach.

Literature cited by the submitters: PubMed 32106311 (cited by 3billion).

NM_001018113.3(FANCB):c.195dup (p.Thr66fs)

Gene: FANCB (FA complementation group B; minus strand). Cytogenetic location: Xp22.2.
Variant type: Duplication.
Coding change: c.195dup on transcript NM_001018113.3 (MANE Select); coding-DNA position 195, one base duplicated (T; older notation c.195dupT).
Protein change: p.Thr66fs; shifts the reading frame from threonine 66.
Molecular consequence: frameshift variant. On other transcripts: non-coding transcript variant (1).
Genome position (GRCh38, 1-based): chrX:14,865,316, A duplicated on the plus strand (T on the coding strand, the reverse complement: FANCB is on the minus strand); the first of 6 consecutive A bases (chrX:14,865,316-14,865,321); duplicating any one gives the same sequence. VCF-style (leftmost placement, unchanged base first): chrX-14865315-T-TA. GRCh37 (hg19) VCF-style: chrX-14883437-T-TA.
Other names: c.195dup (NM_001018113.1); c.195dup, p.Thr66fs (NM_001324162.2, NM_152633.4); short protein forms T66fs.
Identifiers: ClinVar variation 691299 (VCV000691299.3), dbSNP rs1602006627, ClinGen allele CA915950782.